The following is an entry in ClinVar:

NM_000202.8(IDS):c.551G>T (p.Cys184Phe)

Genes: IDS (iduronate 2-sulfatase; minus strand), LOC106050102 (IDS recombination region; plus strand). Cytogenetic location: Xq28.
Variant type: single nucleotide variant.
Coding change: c.551G>T on transcript NM_000202.8 (MANE Select); coding-DNA position 551, G replaced by T.
Protein change: p.Cys184Phe; replaces cysteine 184 with phenylalanine.
Molecular consequence: missense variant. On other transcripts: non-coding transcript variant (1).
Genome position (GRCh38, 1-based): chrX:149,498,264, C>A on the plus strand (G>T on the coding strand, the complement: IDS is on the minus strand). VCF-style: chrX-149498264-C-A. GRCh37 (hg19) VCF-style: chrX-148579795-C-A.
Other names: c.281G>T, p.Cys94Phe (NM_001166550.4); c.551G>T, p.Cys184Phe (NM_006123.5); short protein forms C184F, C94F.
Identifiers: ClinVar variation 2737389 (VCV002737389.5), dbSNP rs2520864754, ClinGen allele CA414522506.

ClinVar aggregate classification (germline): Pathogenic. Review status: criteria provided, multiple submitters, no conflicts (2 of 4 stars). 2 submissions from 2 submitters: Pathogenic (2). Last evaluated 2025-10-02.

Conditions:
Mucopolysaccharidosis, MPS-II (MPS2). Also called: Mucopolysaccharidosis with skin involvement; Mucopolysaccharidosis type 2; Attenuated MPS (subtype; formerly known as mild MPS II); Severe MPS II; I2S deficiency; MPS 2. Identifiers: Orphanet 580, Orphanet 79388, MedGen C0026705, MONDO:0010674, OMIM 309900.

Submissions (2):

Labcorp Genetics (formerly Invitae), Labcorp
Classification: Pathogenic for Mucopolysaccharidosis, MPS-II. Last evaluated: 2025-10-02. Review status: criteria provided, single submitter. Criteria: Invitae Variant Classification Sherloc (09022015). Collection method: clinical testing. Allele origin: germline.
Comment: This sequence change replaces cysteine, which is neutral and slightly polar, with phenylalanine, which is neutral and non-polar, at codon 184 of the IDS protein (p.Cys184Phe). This variant is not present in population databases (gnomAD no frequency). This missense change has been observed in individual(s) with mucopolysaccharidosis type II (PMID: 8940265, 33676511). In at least one individual the variant was observed to be de novo. ClinVar contains an entry for this variant (Variation ID: 2737389). Invitae Evidence Modeling of protein sequence and biophysical properties (such as structural, functional, and spatial information, amino acid conservation, physicochemical variation, residue mobility, and thermodynamic stability) indicates that this missense variant is expected to disrupt IDS protein function with a positive predictive value of 95%. For these reasons, this variant has been classified as Pathogenic.

Laboratory of Diagnosis and Therapy of Lysosomal Disorders, University of Padova
Classification: Pathogenic for Mucopolysaccharidosis, MPS-II. Last evaluated: 2024-06-07. Review status: criteria provided, single submitter. Criteria: ACMG Guidelines, 2015. Collection method: literature only. Allele origin: germline. Affected: yes. Observed: 3 variant alleles.
Comment: Located in a mutational hot spot and/or critical functional domain (PM1_Moderate), Absent from controls (or at low frequency) in gnomAD database (PM2_Moderate), Missense variant in a gene with a low rate of benign missense variation (PP2_Supporting), Multiple lines of computational evidence support a deleterious effect (PP3_Supporting), Patient’s phenotype or family history highly specific for the disease (PP4_Strong)

Classification method: ACMG Guidelines [PMID:25741868] with modifications

Literature cited by the submitters: PubMed 8940265 (cited by Labcorp Genetics (formerly Invitae), Labcorp and Laboratory of Diagnosis and Therapy of Lysosomal Disorders, University of Padova); PubMed 33676511 (cited by Labcorp Genetics (formerly Invitae), Labcorp and Laboratory of Diagnosis and Therapy of Lysosomal Disorders, University of Padova); PubMed 27246110 (cited by Laboratory of Diagnosis and Therapy of Lysosomal Disorders, University of Padova).